The following is an entry in ClinVar:

ClinVar aggregate classification (germline): Benign (1 of 4 stars; one submission).

Allele frequency attached by ClinVar (database versions not stated): gnomAD 0.68779 and 0.69057; TOPMed 0.69737; 1000 Genomes Project 30x 0.71143; 1000 Genomes Project 0.71386.
gnomAD v4.1: 104,376 of 151,998 alleles (69%); highest among the groups gnomAD compares: African/African-American, 84%; 36,684 homozygotes.

Submission:

GeneDx
Classification: Benign. Last evaluated: 2018-06-14. Review status: criteria provided, single submitter. Criteria: GeneDx Variant Classification (06012015). Collection method: clinical testing. Allele origin: germline. Affected: yes.
Comment: This variant is considered likely benign or benign based on one or more of the following criteria: it is a conservative change, it occurs at a poorly conserved position in the protein, it is predicted to be benign by multiple in silico algorithms, and/or has population frequency not consistent with disease.

NM_001278716.2(FBXL4):c.1318-230C>T

Gene: FBXL4 (F-box and leucine rich repeat protein 4; minus strand). Cytogenetic location: 6q16.1.
Variant type: single nucleotide variant.
Coding change: c.1318-230C>T on transcript NM_001278716.2 (MANE Select); 230 bases into the intron before coding-DNA position 1318, C replaced by T.
Molecular consequence: intron variant.
Genome position (GRCh38, 1-based): chr6:98,880,854, G>A on the plus strand (C>T on the coding strand, the complement: FBXL4 is on the minus strand). VCF-style: chr6-98880854-G-A. GRCh37 (hg19) VCF-style: chr6-99328730-G-A.
Other names: c.1318-230C>T (NM_012160.5).
Identifiers: ClinVar variation 680584 (VCV000680584.1), dbSNP rs195831, ClinGen allele CA12330862.